The following is an entry in ClinVar:

NM_000532.5(PCCB):c.452del (p.Val151fs)

Gene: PCCB (propionyl-CoA carboxylase subunit beta; plus strand). Cytogenetic location: 3q22.3.
Variant type: Deletion.
Coding change: c.452del on transcript NM_000532.5 (MANE Select); coding-DNA position 452, one base deleted (T; older notation c.452delT).
Protein change: p.Val151fs; shifts the reading frame from valine 151.
Molecular consequence: frameshift variant.
Genome position (GRCh38, 1-based): chr3:136,261,974, T deleted. VCF-style (leftmost placement, unchanged base first): chr3-136261973-GT-G. GRCh37 (hg19) VCF-style: chr3-135980815-GT-G.
Other names: c.512del, p.Val171fs (NM_001178014.2); short protein forms V151fs, V171fs.
Identifiers: ClinVar variation 5016092 (VCV005016092.1).

ClinVar aggregate classification (germline): Pathogenic (1 of 4 stars; one submission).

Conditions:
Propionic acidemia (PROP). Also called: GLYCINEMIA, KETOTIC; HYPERGLYCINEMIA WITH KETOACIDOSIS AND LEUKOPENIA; KETOTIC HYPERGLYCINEMIA. Identifiers: Orphanet 35, MedGen C0268579, MONDO:0011628, OMIM 606054, HP:0003571.

Submission:

Myriad Genetics, Inc.
Classification: Pathogenic for Propionic acidemia. Last evaluated: 2026-06-29. Review status: criteria provided, single submitter. Criteria: Myriad Autosomal Dominant, Autosomal Recessive and X-Linked Classification Criteria (2023). Collection method: clinical testing. Allele origin: unknown.
Comment: NM_000532.4(PCCB):c.452delT(V151Gfs*5) is expected to be pathogenic in the context of PCCB-related propionic acidemia. This variant is predicted to lead to an abnormal or absent protein product due to the creation of a premature termination codon in PCCB, a gene where loss-of-function variants are known to be pathogenic. Please note: this variant was assessed in the context of healthy population screening.